The following is an entry in ClinVar:

ClinVar aggregate classification (germline): Uncertain significance (1 of 4 stars; one submission).

Allele frequency attached by ClinVar (database versions not stated): gnomAD exomes below 0.00001.
gnomAD v4.1: 1 of 1,612,706 alleles (0.000062%); highest among the groups gnomAD compares: Non-Finnish European, 0.000085%; no homozygotes.

Submission:

Labcorp Genetics (formerly Invitae), Labcorp
Classification: Uncertain significance. Last evaluated: 2022-07-06. Review status: criteria provided, single submitter. Criteria: Invitae Variant Classification Sherloc (09022015). Collection method: clinical testing. Allele origin: germline.
Comment: In summary, the available evidence is currently insufficient to determine the role of this variant in disease. Therefore, it has been classified as a Variant of Uncertain Significance. Algorithms developed to predict the effect of missense changes on protein structure and function are either unavailable or do not agree on the potential impact of this missense change (SIFT: "Tolerated"; PolyPhen-2: "Possibly Damaging"; Align-GVGD: "Class C0"). This variant has not been reported in the literature in individuals affected with SFRP4-related conditions. This variant is not present in population databases (gnomAD no frequency). This sequence change replaces valine, which is neutral and non-polar, with methionine, which is neutral and non-polar, at codon 19 of the SFRP4 protein (p.Val19Met).

NM_003014.4(SFRP4):c.55G>A (p.Val19Met)

Gene: SFRP4 (secreted frizzled related protein 4; minus strand). Cytogenetic location: 7p14.1.
Variant type: single nucleotide variant.
Coding change: c.55G>A on transcript NM_003014.4 (MANE Select); coding-DNA position 55, G replaced by A.
Protein change: p.Val19Met; replaces valine 19 with methionine.
Molecular consequence: missense variant.
Genome position (GRCh38, 1-based): chr7:37,916,483, C>T on the plus strand (G>A on the coding strand, the complement: SFRP4 is on the minus strand). VCF-style: chr7-37916483-C-T. GRCh37 (hg19) VCF-style: chr7-37956085-C-T.
Other names: short protein forms V19M.
Identifiers: ClinVar variation 2053680 (VCV002053680.4), dbSNP rs2483699447, ClinGen allele CA367221229.